The following is an entry in ClinVar:

ClinVar aggregate classification (germline): Pathogenic (1 of 4 stars; one submission).

Conditions:
Hereditary nonpolyposis colorectal neoplasms. Identifiers: MedGen C0009405, MeSH D003123.

Submission:

Labcorp Genetics (formerly Invitae), Labcorp
Classification: Pathogenic for Hereditary nonpolyposis colorectal neoplasms. Last evaluated: 2020-08-26. Review status: criteria provided, single submitter. Criteria: Invitae Variant Classification Sherloc (09022015). Collection method: clinical testing. Allele origin: germline.
Comment: This sequence change creates a premature translational stop signal (p.Lys13Argfs*57) in the MSH6 gene. It is expected to result in an absent or disrupted protein product. This variant is not present in population databases (ExAC no frequency). This variant has not been reported in the literature in individuals with MSH6-related conditions. Loss-of-function variants in MSH6 are known to be pathogenic (PMID: 18269114, 24362816). For these reasons, this variant has been classified as Pathogenic.

Literature cited by the submitters: PubMed 18269114; PubMed 24362816.

NM_000179.3(MSH6):c.36_69del (p.Lys13fs)

Gene: MSH6 (mutS homolog 6; plus strand). Cytogenetic location: 2p16.3.
Variant type: Deletion.
Coding change: c.36_69del on transcript NM_000179.3 (MANE Select); coding-DNA positions 36 to 69, 34 bases deleted.
Protein change: p.Lys13fs; shifts the reading frame from lysine 13.
Molecular consequence: frameshift variant. On other transcripts: 5 prime UTR variant (1).
Genome position (GRCh38, 1-based): chr2:47,783,269-47,783,302, 34 bases deleted; deleting any 34 consecutive bases within chr2:47,783,267-47,783,302 gives the same sequence; the c. name uses the placement nearest the transcript's 3' end. GRCh37 (hg19): chr2:48,010,408-48,010,441.
Other names: c.36_69del, p.Lys13fs (NM_001281492.2); c.-701_-668del (NM_001281493.2); short protein forms K13fs.
Identifiers: ClinVar variation 1071481 (VCV001071481.7), dbSNP rs2103932373, ClinGen allele CA2499216080.